The following is an entry in ClinVar:

NM_001136035.4(TRMT1):c.1028C>T (p.Ala343Val)

Gene: TRMT1 (tRNA methyltransferase 1; minus strand). Cytogenetic location: 19p13.13.
Variant type: single nucleotide variant.
Coding change: c.1028C>T on transcript NM_001136035.4 (MANE Select); coding-DNA position 1028, C replaced by T.
Protein change: p.Ala343Val; replaces alanine 343 with valine.
Molecular consequence: missense variant. On other transcripts: intron variant (2).
Genome position (GRCh38, 1-based): chr19:13,109,993, G>A on the plus strand (C>T on the coding strand, the complement: TRMT1 is on the minus strand). VCF-style: chr19-13109993-G-A. GRCh37 (hg19) VCF-style: chr19-13220807-G-A.
Other names: c.920C>T, p.Ala307Val (NM_001351761.2); c.245C>T, p.Ala82Val (NM_001351762.2); c.1028C>T, p.Ala343Val (NM_017722.5); c.1020-155C>T (NM_001351760.2, NM_001142554.3); c.1028C>T (NM_001136035.2); short protein forms A307V, A343V, A82V.
Identifiers: ClinVar variation 2369387 (VCV002369387.3), dbSNP rs146440296, ClinGen allele CA9237804.
Genomic context (GRCh38, chr19:13,109,993, plus strand): 5'-GACGCTTTGCCGAGACGCTGAAGGTGGAAGGCCCCGCAGCCCACACACTGGAACACCAGC[G>A]CCTGCTTGCTGTGGGGGGTACCAGTGGCCACGAGTTCCCAGCGTGACCACGACACCCCAA-3'
Protein context (NP_001129507.1, residues 333-353): AKVKASASKQ[Ala343Val]LVFQCVGCGA

ClinVar aggregate classification (germline): Uncertain significance. Review status: criteria provided, multiple submitters, no conflicts (2 of 4 stars). 2 submissions from 2 submitters: Uncertain significance (2). Last evaluated 2024-01-03.

Conditions:
Inborn genetic diseases. Identifiers: MedGen C0950123, MeSH D030342.

Allele frequency attached by ClinVar (database versions not stated): TOPMed 0.00005; gnomAD 0.00007; ESP Exome Variant Server 0.00008.
gnomAD v4.1: 39 of 1,613,306 alleles (0.0024%); highest among the groups gnomAD compares: Middle Eastern, 0.017%; 1 homozygote.

Submissions (2):

GeneDx
Classification: Uncertain significance. Last evaluated: 2024-01-03. Review status: criteria provided, single submitter. Criteria: GeneDx Variant Classification Process June 2021. Collection method: clinical testing. Allele origin: germline. Affected: yes.
Comment: In silico analysis supports that this missense variant has a deleterious effect on protein structure/function; Has not been previously published as pathogenic or benign to our knowledge

Ambry Genetics
Classification: Uncertain significance for Inborn genetic diseases. Last evaluated: 2022-10-26. Review status: criteria provided, single submitter. Criteria: Ambry Variant Classification Scheme 2023. Collection method: clinical testing. Allele origin: germline.